The following is an entry in ClinVar:

ClinVar aggregate classification (germline): Uncertain significance (1 of 4 stars; one submission).

Conditions:
Early-infantile DEE. Also called: Early infantile epileptic encephalopathy; Early infantile epileptic encephalopathy with suppression bursts; Ohtahara syndrome. Identifiers: Orphanet 1934, MedGen C0393706, MONDO:0800491.

Allele frequency attached by ClinVar (database versions not stated): gnomAD exomes below 0.00001.
gnomAD v4.1: 4 of 1,614,162 alleles (0.00025%); highest among the groups gnomAD compares: South Asian, 0.0011%; no homozygotes.

Submission:

Labcorp Genetics (formerly Invitae), Labcorp
Classification: Uncertain significance for Early-infantile DEE. Last evaluated: 2024-01-10. Review status: criteria provided, single submitter. Criteria: Invitae Variant Classification Sherloc (09022015). Collection method: clinical testing. Allele origin: germline.
Comment: This sequence change replaces arginine, which is basic and polar, with cysteine, which is neutral and slightly polar, at codon 685 of the SPTAN1 protein (p.Arg685Cys). This variant is present in population databases (no rsID available, gnomAD 0.003%). This variant has not been reported in the literature in individuals affected with SPTAN1-related conditions. Advanced modeling of protein sequence and biophysical properties (such as structural, functional, and spatial information, amino acid conservation, physicochemical variation, residue mobility, and thermodynamic stability) has been performed at Invitae for this missense variant, however the output from this modeling did not meet the statistical confidence thresholds required to predict the impact of this variant on SPTAN1 protein function. In summary, the available evidence is currently insufficient to determine the role of this variant in disease. Therefore, it has been classified as a Variant of Uncertain Significance.

NM_001130438.3(SPTAN1):c.2053C>T (p.Arg685Cys)

Gene: SPTAN1 (spectrin alpha, non-erythrocytic 1; plus strand). Cytogenetic location: 9q34.11.
Variant type: single nucleotide variant.
Coding change: c.2053C>T on transcript NM_001130438.3 (MANE Select); coding-DNA position 2053, C replaced by T.
Protein change: p.Arg685Cys; replaces arginine 685 with cysteine.
Molecular consequence: missense variant.
Genome position (GRCh38, 1-based): chr9:128,583,829, C>T. VCF-style: chr9-128583829-C-T. GRCh37 (hg19) VCF-style: chr9-131346108-C-T.
Other names: c.2053C>T, p.Arg685Cys (NM_001195532.2, NM_001363759.2, NM_001363765.2 and 5 more transcripts); c.2089C>T, p.Arg697Cys (NM_001375312.2, NM_001375318.1); short protein forms R697C, R685C.
Identifiers: ClinVar variation 2839676 (VCV002839676.3), dbSNP rs1242162835, ClinGen allele CA375056046.